The following is an entry in ClinVar:

ClinVar aggregate classification (germline): Uncertain significance (1 of 4 stars; one submission).

Allele frequency attached by ClinVar (database versions not stated): gnomAD exomes 0.00002.
gnomAD v4.1: 23 of 1,607,390 alleles (0.0014%); highest among the groups gnomAD compares: Non-Finnish European, 0.002%; no homozygotes.

Submission:

Ambry Genetics
Classification: Uncertain significance. Last evaluated: 2021-06-30. Review status: criteria provided, single submitter. Criteria: Ambry Variant Classification Scheme 2023. Collection method: clinical testing. Allele origin: germline.
Comment: The p.R274Q variant (also known as c.821G>A), located in coding exon 6 of the BUB3 gene, results from a G to A substitution at nucleotide position 821. The arginine at codon 274 is replaced by glutamine, an amino acid with highly similar properties. This amino acid position is conserved. In addition, the in silico prediction for this alteration is inconclusive. Since supporting evidence is limited at this time, the clinical significance of this alteration remains unclear.

NM_004725.4(BUB3):c.821G>A (p.Arg274Gln)

Gene: BUB3 (BUB3 mitotic checkpoint protein; plus strand). Cytogenetic location: 10q26.13.
Variant type: single nucleotide variant.
Coding change: c.821G>A on transcript NM_004725.4 (MANE Select); coding-DNA position 821, G replaced by A.
Protein change: p.Arg274Gln; replaces arginine 274 with glutamine.
Molecular consequence: missense variant.
Genome position (GRCh38, 1-based): chr10:123,162,678, G>A. VCF-style: chr10-123162678-G-A. GRCh37 (hg19) VCF-style: chr10-124922194-G-A.
Other names: c.821G>A, p.Arg274Gln (NM_001007793.3); short protein forms R274Q.
Identifiers: ClinVar variation 1762509 (VCV001762509.2), dbSNP rs2493766851, ClinGen allele CA378626991.